The following is an entry in ClinVar:

NM_001283009.2(RTEL1):c.2774C>A (p.Ser925Tyr)

Genes: RTEL1 (regulator of telomere elongation helicase 1; plus strand), RTEL1-TNFRSF6B (RTEL1-TNFRSF6B readthrough (NMD candidate); plus strand). Cytogenetic location: 20q13.33.
Variant type: single nucleotide variant.
Coding change: c.2774C>A on transcript NM_001283009.2 (MANE Select); coding-DNA position 2774, C replaced by A.
Protein change: p.Ser925Tyr; replaces serine 925 with tyrosine.
Molecular consequence: missense variant. On other transcripts: non-coding transcript variant (1).
Genome position (GRCh38, 1-based): chr20:63,692,926, C>A. VCF-style: chr20-63692926-C-A. GRCh37 (hg19) VCF-style: chr20-62324279-C-A.
Other names: c.2846C>A (NM_032957.4); c.2105C>A, p.Ser702Tyr (NM_001283010.1); c.2774C>A, p.Ser925Tyr (NM_016434.4); c.2846C>A, p.Ser949Tyr (NM_032957.5); short protein forms S949Y, S925Y, S702Y.
Identifiers: ClinVar variation 2059143 (VCV002059143.5), dbSNP rs770018942, ClinGen allele CA9965527.

ClinVar aggregate classification (germline): Uncertain significance. Review status: criteria provided, multiple submitters, no conflicts (2 of 4 stars). 3 submissions from 3 submitters: Uncertain significance (3). Last evaluated 2025-12-24.

Conditions:
Pulmonary fibrosis and/or bone marrow failure, Telomere-related, 3. Also called: PULMONARY FIBROSIS AND/OR BONE MARROW FAILURE SYNDROME, TELOMERE-RELATED, 3. Identifiers: Orphanet 2032, MedGen C4225346, MONDO:0014613, OMIM 616373.
Dyskeratosis congenita, autosomal recessive 5 (DKCB5). Identifiers: MedGen C3554656, MONDO:0014076, OMIM 615190.
Pulmonary fibrosis. Identifiers: MedGen C0034069, MONDO:0002771, HP:0002206.

Submissions (3):

Labcorp Genetics (formerly Invitae), Labcorp
Classification: Uncertain significance for Dyskeratosis congenita, autosomal recessive 5; Pulmonary fibrosis and/or bone marrow failure, Telomere-related, 3. Last evaluated: 2025-12-24. Review status: criteria provided, single submitter. Criteria: Invitae Variant Classification Sherloc (09022015). Collection method: clinical testing. Allele origin: germline.
Comment: This sequence change replaces serine, which is neutral and polar, with tyrosine, which is neutral and polar, at codon 925 of the RTEL1 protein (p.Ser925Tyr). This variant is present in population databases (rs770018942, gnomAD 0.002%). This variant has not been reported in the literature in individuals affected with RTEL1-related conditions. ClinVar contains an entry for this variant (Variation ID: 2059143). An algorithm developed to predict the effect of missense changes on protein structure and function (PolyPhen-2) suggests that this variant is likely to be disruptive. In summary, the available evidence is currently insufficient to determine the role of this variant in disease. Therefore, it has been classified as a Variant of Uncertain Significance.

GeneDx
Classification: Uncertain significance. Last evaluated: 2025-06-11. Review status: criteria provided, single submitter. Criteria: GeneDx Variant Classification Process June 2021. Collection method: clinical testing. Allele origin: germline. Affected: yes.
Comment: Not observed at significant frequency in large population cohorts (gnomAD); In silico analysis supports that this missense variant has a deleterious effect on protein structure/function; Has not been previously published as pathogenic or benign to our knowledge

Cambridge Genomics Laboratory, East Genomic Laboratory Hub, NHS Genomic Medicine Service
Classification: Uncertain significance for Pulmonary fibrosis. Last evaluated: 2020-01-06. Review status: criteria provided, single submitter. Criteria: ACGS Best Practice Guidelines for Variant Classification in Rare Disease 2020. Collection method: clinical testing. Allele origin: germline. Affected: yes. Observed: 1 variant allele.